The following is an entry in ClinVar:

ClinVar aggregate classification (germline): Uncertain significance (1 of 4 stars; one submission).

gnomAD v4.1: 20 of 1,612,406 alleles (0.0012%); highest among the groups gnomAD compares: Admixed American, 0.0017%; no homozygotes.

Submission:

Labcorp Genetics (formerly Invitae), Labcorp
Classification: Uncertain significance. Last evaluated: 2024-06-20. Review status: criteria provided, single submitter. Criteria: Invitae Variant Classification Sherloc (09022015). Collection method: clinical testing. Allele origin: germline.
Comment: This sequence change replaces arginine, which is basic and polar, with glycine, which is neutral and non-polar, at codon 226 of the RHBDF2 protein (p.Arg226Gly). This variant is not present in population databases (gnomAD no frequency). This variant has not been reported in the literature in individuals affected with RHBDF2-related conditions. An algorithm developed to predict the effect of missense changes on protein structure and function (PolyPhen-2) suggests that this variant is likely to be disruptive. In summary, the available evidence is currently insufficient to determine the role of this variant in disease. Therefore, it has been classified as a Variant of Uncertain Significance.

NM_001005498.4(RHBDF2):c.589C>G (p.Arg197Gly)

Gene: RHBDF2 (rhomboid 5 homolog 2; minus strand). Cytogenetic location: 17q25.1.
Variant type: single nucleotide variant.
Coding change: c.589C>G on transcript NM_001005498.4 (MANE Select); coding-DNA position 589, C replaced by G.
Protein change: p.Arg197Gly; replaces arginine 197 with glycine.
Molecular consequence: missense variant. On other transcripts: non-coding transcript variant (3).
Genome position (GRCh38, 1-based): chr17:76,478,889, G>C on the plus strand (C>G on the coding strand, the complement: RHBDF2 is on the minus strand). VCF-style: chr17-76478889-G-C. GRCh37 (hg19) VCF-style: chr17-74474971-G-C.
Other names: c.589C>G, p.Arg197Gly (NM_001376230.1, NM_001376228.1, NM_001376229.1); c.676C>G, p.Arg226Gly (NM_024599.5); short protein forms R197G, R226G.
Identifiers: ClinVar variation 3608340 (VCV003608340.2).